The following is an entry in ClinVar:

ClinVar aggregate classification (germline): Uncertain significance. Review status: criteria provided, multiple submitters, no conflicts (2 of 4 stars). 2 submissions from 2 submitters: Uncertain significance (2). Last evaluated 2024-01-24.

Conditions:
Cardioencephalomyopathy, fatal infantile, due to cytochrome c oxidase deficiency 1 (MC4DN2). Also called: MITOCHONDRIAL COMPLEX IV DEFICIENCY, NUCLEAR TYPE 2; CYTOCHROME c OXIDASE DEFICIENCY, FATAL INFANTILE, WITH CARDIOENCEPHALOMYOPATHY. Identifiers: Orphanet 1561, MedGen C5399977, MONDO:0011451, OMIM 604377.

gnomAD v4.1: 1 of 1,613,570 alleles (0.000062%); no homozygotes.

Submissions (2):

Baylor Genetics
Classification: Uncertain significance for Cardioencephalomyopathy, fatal infantile, due to cytochrome c oxidase deficiency 1. Last evaluated: 2024-01-24. Review status: criteria provided, single submitter. Criteria: ACMG Guidelines, 2015. Collection method: clinical testing. Allele origin: unknown.

Labcorp Genetics (formerly Invitae), Labcorp
Classification: Uncertain significance. Last evaluated: 2022-03-11. Review status: criteria provided, single submitter. Criteria: Invitae Variant Classification Sherloc (09022015). Collection method: clinical testing. Allele origin: germline.
Comment: In summary, the available evidence is currently insufficient to determine the role of this variant in disease. Therefore, it has been classified as a Variant of Uncertain Significance. Algorithms developed to predict the effect of missense changes on protein structure and function output the following: SIFT: "Deleterious"; PolyPhen-2: "Probably Damaging"; Align-GVGD: "Class C65". The aspartic acid amino acid residue is found in multiple mammalian species, which suggests that this missense change does not adversely affect protein function. This variant has not been reported in the literature in individuals affected with SCO2-related conditions. This variant is not present in population databases (gnomAD no frequency). This sequence change replaces glycine, which is neutral and non-polar, with aspartic acid, which is acidic and polar, at codon 129 of the SCO2 protein (p.Gly129Asp).

NM_005138.3(SCO2):c.386G>A (p.Gly129Asp)

Genes: SCO2 (synthesis of cytochrome C oxidase 2; minus strand), NCAPH2 (non-SMC condensin II complex subunit H2; plus strand). Cytogenetic location: 22q13.33.
Variant type: single nucleotide variant.
Coding change: c.386G>A on transcript NM_005138.3 (MANE Select); coding-DNA position 386, G replaced by A.
Protein change: p.Gly129Asp; replaces glycine 129 with aspartic acid.
Molecular consequence: missense variant. On other transcripts: 3 prime UTR variant (2).
Genome position (GRCh38, 1-based): chr22:50,524,026, C>T on the plus strand (G>A on the coding strand, the complement: SCO2 is on the minus strand). VCF-style: chr22-50524026-C-T. GRCh37 (hg19) VCF-style: chr22-50962455-C-T.
Other names: c.*651C>T (NM_001185011.2, NM_152299.4); c.386G>A, p.Gly129Asp (NM_001169109.2, NM_001169110.1, NM_001169111.2); short protein forms G129D.
Identifiers: ClinVar variation 2108900 (VCV002108900.5), dbSNP rs1364707310, ClinGen allele CA412192884.